The following is an entry in ClinVar:

NM_001042492.3(NF1):c.2264T>G (p.Leu755Arg)

Gene: NF1 (neurofibromin 1; plus strand). Cytogenetic location: 17q11.2.
Variant type: single nucleotide variant.
Coding change: c.2264T>G on transcript NM_001042492.3 (MANE Select); coding-DNA position 2264, T replaced by G.
Protein change: p.Leu755Arg; replaces leucine 755 with arginine.
Molecular consequence: missense variant.
Genome position (GRCh38, 1-based): chr17:31,227,230, T>G. VCF-style: chr17-31227230-T-G. GRCh37 (hg19) VCF-style: chr17-29554248-T-G.
Other names: c.2264T>G, p.Leu755Arg (NM_000267.4); short protein forms L755R.
Identifiers: ClinVar variation 5025608 (VCV005025608.1).
Genomic context (GRCh38, chr17:31,227,230, plus strand): 5'-GGCAGGGCTCTAAGTGCAGTAACTTGATTTGCTGTTGTATTTGCTTAGGAAGAGCAGCAC[T>G]TCAGAAAAGAGTGATGGCACTGCTGAGGCGCATTGAGCATCCCACTGCAGGAAACACTGA-3'
Protein context (NP_001035957.1, residues 745-765): SNMMSTGRAA[Leu755Arg]QKRVMALLRR

ClinVar aggregate classification (germline): Uncertain significance (1 of 4 stars; one submission).

Conditions:
Cardiovascular phenotype. Identifiers: MedGen CN230736.
Hereditary cancer-predisposing syndrome. Also called: Neoplastic Syndromes, Hereditary; Tumor predisposition; Hereditary neoplastic syndrome; Hereditary Cancer Syndrome. Identifiers: Orphanet 140162, MedGen C0027672, MeSH D009386, MONDO:0015356.

Submission:

Ambry Genetics
Classification: Uncertain significance for Cardiovascular phenotype; Hereditary cancer-predisposing syndrome. Last evaluated: 2026-08-03. Review status: criteria provided, single submitter. Criteria: Ambry Variant Classification Scheme 2023. Collection method: clinical testing. Allele origin: germline.
Comment: The p.L755R variant (also known as c.2264T>G), located in coding exon 19 of the NF1 gene, results from a T to G substitution at nucleotide position 2264. The leucine at codon 755 is replaced by arginine, an amino acid with dissimilar properties. This amino acid position is conserved. In addition, this alteration is predicted to be deleterious by in silico analysis. Based on the available evidence, the clinical significance of this variant remains unclear.